The following is an entry in ClinVar:

ClinVar aggregate classification (germline): Likely benign (0 of 4 stars; one submission).

Conditions:
LRP8-related disorder. Also called: LRP8-related condition.

Submission:

PreventionGenetics, part of Exact Sciences
Classification: Likely benign for LRP8-related condition. Last evaluated: 2021-10-19. Review status: no assertion criteria provided. Collection method: clinical testing. Allele origin: germline.
Comment: This variant is classified as likely benign based on ACMG/AMP sequence variant interpretation guidelines (Richards et al. 2015 PMID: 25741868, with internal and published modifications).

NM_004631.5(LRP8):c.74A>T (p.Gln25Leu)

Genes: LRP8 (LDL receptor related protein 8; minus strand), LOC129930568 (ATAC-STARR-seq lymphoblastoid silent region 908; plus strand). Cytogenetic location: 1p32.3.
Variant type: single nucleotide variant.
Coding change: c.74A>T on transcript NM_004631.5 (MANE Select); coding-DNA position 74, A replaced by T.
Protein change: p.Gln25Leu; replaces glutamine 25 with leucine.
Molecular consequence: missense variant.
Genome position (GRCh38, 1-based): chr1:53,327,839, T>A on the plus strand (A>T on the coding strand, the complement: LRP8 is on the minus strand). VCF-style: chr1-53327839-T-A. GRCh37 (hg19) VCF-style: chr1-53793511-T-A.
Other names: c.74A>T, p.Gln25Leu (NM_001018054.3, NM_017522.5, NM_033300.4); short protein forms Q25L.
Identifiers: ClinVar variation 3037135 (VCV003037135.2), dbSNP rs4926972, ClinGen allele CA860546.